The following is an entry in ClinVar:

NM_000540.3(RYR1):c.9733G>A (p.Val3245Met)

Gene: RYR1 (ryanodine receptor 1; plus strand). Cytogenetic location: 19q13.2.
Variant type: single nucleotide variant.
Coding change: c.9733G>A on transcript NM_000540.3 (MANE Select); coding-DNA position 9733, G replaced by A.
Protein change: p.Val3245Met; replaces valine 3245 with methionine.
Molecular consequence: missense variant.
Genome position (GRCh38, 1-based): chr19:38,517,406, G>A. VCF-style: chr19-38517406-G-A. GRCh37 (hg19) VCF-style: chr19-39008046-G-A.
Other names: c.9733G>A, p.Val3245Met (NM_001042723.2); short protein forms V3245M.
Identifiers: ClinVar variation 1442754 (VCV001442754.30), dbSNP rs751455783, ClinGen allele CA074100.
Genomic context (GRCh38, chr19:38,517,406, plus strand): 5'-CCCTGTACCCCAGTCCTGGGGCTCCCCAACAGTGTGGAGGAGATGTGTCCCGACATCCCG[G>A]TGCTGGAGCGGCTCATGGCAGACATTGGGGGGCTGGCCGAGTCAGGTGCCCGCTACACAG-3'
Protein context (NP_000531.2, residues 3235-3255): SVEEMCPDIP[Val3245Met]LERLMADIGG

ClinVar aggregate classification (germline): Uncertain significance. Review status: criteria provided, multiple submitters, no conflicts (2 of 4 stars). 4 submissions from 4 submitters: Uncertain significance (4). Last evaluated 2024-10-10.

Conditions:
Malignant hyperthermia, susceptibility to, 1 (MHS1). Also called: RYR1-Related Malignant Hyperthermia Susceptibility; Anesthesia related hyperthermia; Malignant hyperpyrexia; Fulminating hyperpyrexia; Pharmacogenic myopathy; Malignant hyperthermia suceptibility 1. Identifiers: Orphanet 423, MedGen C2930980, MONDO:0007783, OMIM 145600.
RYR1-related disorder. Also called: RYR1-related disorders; RYR1-related condition. Identifiers: MedGen CN239331.

Allele frequency attached by ClinVar (database versions not stated): gnomAD exomes 0.00001; TOPMed 0.00001; ExAC 0.00002.

Submissions (4):

Labcorp Genetics (formerly Invitae), Labcorp
Classification: Uncertain significance for RYR1-related disorder. Last evaluated: 2024-10-10. Review status: criteria provided, single submitter. Criteria: Invitae Variant Classification Sherloc (09022015). Collection method: clinical testing. Allele origin: germline.
Comment: This sequence change replaces valine, which is neutral and non-polar, with methionine, which is neutral and non-polar, at codon 3245 of the RYR1 protein (p.Val3245Met). This variant is present in population databases (rs751455783, gnomAD 0.002%). This variant has not been reported in the literature in individuals affected with RYR1-related conditions. ClinVar contains an entry for this variant (Variation ID: 1442754). Invitae Evidence Modeling of protein sequence and biophysical properties (such as structural, functional, and spatial information, amino acid conservation, physicochemical variation, residue mobility, and thermodynamic stability) indicates that this missense variant is not expected to disrupt RYR1 protein function with a negative predictive value of 80%. In summary, the available evidence is currently insufficient to determine the role of this variant in disease. Therefore, it has been classified as a Variant of Uncertain Significance.

Revvity Omics, Revvity
Classification: Uncertain significance. Last evaluated: 2024-06-24. Review status: criteria provided, single submitter. Criteria: ACMG Guidelines, 2015. Collection method: clinical testing. Allele origin: germline.

CeGaT Center for Human Genetics Tuebingen
Classification: Uncertain significance. Last evaluated: 2024-04-01. Review status: criteria provided, single submitter. Criteria: CeGaT Center For Human Genetics Tuebingen Variant Classification Criteria Version 2. Collection method: clinical testing. Allele origin: germline. Affected: yes. Observed: 1 variant allele.
Comment: RYR1: PM2

All of Us Research Program, National Institutes of Health
Classification: Uncertain significance for Malignant hyperthermia, susceptibility to, 1. Last evaluated: 2023-07-10. Review status: criteria provided, single submitter. Criteria: ACMG Guidelines, 2015. Collection method: clinical testing. Allele origin: germline. Inheritance: Autosomal dominant inheritance. Observed: 2 variant alleles, 2 heterozygotes.
Comment: This missense variant replaces valine with methionine at codon 3245 of the RYR1 protein. Computational prediction suggests that this variant may not impact protein structure and function (internally defined REVEL score threshold <= 0.5, PMID: 27666373). To our knowledge, functional studies have not been reported for this variant. This variant has not been reported in individuals affected with RYR1-related disorders in the literature. This variant has been identified in 2/249168 chromosomes in the general population by the Genome Aggregation Database (gnomAD). The available evidence is insufficient to determine the role of this variant in disease conclusively. Therefore, this variant is classified as a Variant of Uncertain Significance.

This study involves interpretation of variants in research participants for the purpose of population health screening. Participant phenotype was not available at the time of variant classification. Additional details can be found in publication PMID: 35346344, PMCID: PMC8962531